The following is an entry in ClinVar:

NM_003737.4(DCHS1):c.3773-10C>G

Gene: DCHS1 (dachsous cadherin-related 1; minus strand). Cytogenetic location: 11p15.4.
Variant type: single nucleotide variant.
Coding change: c.3773-10C>G on transcript NM_003737.4 (MANE Select); 10 bases into the intron before coding-DNA position 3773, C replaced by G.
Molecular consequence: intron variant.
Genome position (GRCh38, 1-based): chr11:6,631,220, G>C on the plus strand (C>G on the coding strand, the complement: DCHS1 is on the minus strand). VCF-style: chr11-6631220-G-C. GRCh37 (hg19) VCF-style: chr11-6652451-G-C.
Identifiers: ClinVar variation 3605863 (VCV003605863.3).

ClinVar aggregate classification (germline): Conflicting classifications of pathogenicity. Review status: criteria provided, conflicting classifications (1 of 4 stars). 2 submissions from 2 submitters: Uncertain significance (1); Likely benign (1). Last evaluated 2025-11-20.

gnomAD v4.1: 32 of 1,612,176 alleles (0.002%); highest among the groups gnomAD compares: Non-Finnish European, 0.0026%; no homozygotes.

Submissions (2):

Women's Health and Genetics/Laboratory Corporation of America, LabCorp
Classification: Likely benign. Last evaluated: 2025-11-20. Review status: criteria provided, single submitter. Criteria: LabCorp Variant Classification Summary - May 2015. Collection method: clinical testing. Allele origin: germline.

Labcorp Genetics (formerly Invitae), Labcorp
Classification: Uncertain significance. Last evaluated: 2024-07-20. Review status: criteria provided, single submitter. Criteria: Invitae Variant Classification Sherloc (09022015). Collection method: clinical testing. Allele origin: germline.
Comment: This sequence change falls in intron 8 of the DCHS1 gene. It does not directly change the encoded amino acid sequence of the DCHS1 protein. This variant is present in population databases (no rsID available, gnomAD 0.003%). This variant has not been reported in the literature in individuals affected with DCHS1-related conditions. Algorithms developed to predict the effect of sequence changes on RNA splicing suggest that this variant may disrupt the consensus splice site. In summary, the available evidence is currently insufficient to determine the role of this variant in disease. Therefore, it has been classified as a Variant of Uncertain Significance.